The following is an entry in ClinVar:

ClinVar aggregate classification (germline): Uncertain significance. Review status: criteria provided, multiple submitters, no conflicts (2 of 4 stars). 2 submissions from 2 submitters: Uncertain significance (2). Last evaluated 2025-09-16.

Conditions:
Inborn genetic diseases. Identifiers: MedGen C0950123, MeSH D030342.

Allele frequency attached by ClinVar (database versions not stated): gnomAD exomes 0.00001; gnomAD 0.00005; TOPMed 0.00004.
gnomAD v4.1: 21 of 1,613,738 alleles (0.0013%); highest among the groups gnomAD compares: African/African-American, 0.025%; no homozygotes.

Submissions (2):

Labcorp Genetics (formerly Invitae), Labcorp
Classification: Uncertain significance. Last evaluated: 2025-09-16. Review status: criteria provided, single submitter. Criteria: Invitae Variant Classification Sherloc (09022015). Collection method: clinical testing. Allele origin: germline.
Comment: This sequence change replaces histidine, which is basic and polar, with glutamine, which is neutral and polar, at codon 359 of the MYH3 protein (p.His359Gln). This variant is present in population databases (no rsID available, gnomAD 0.008%). This variant has not been reported in the literature in individuals affected with MYH3-related conditions. ClinVar contains an entry for this variant (Variation ID: 2204954). Invitae Evidence Modeling of protein sequence and biophysical properties (such as structural, functional, and spatial information, amino acid conservation, physicochemical variation, residue mobility, and thermodynamic stability) indicates that this missense variant is not expected to disrupt MYH3 protein function with a negative predictive value of 95%. In summary, the available evidence is currently insufficient to determine the role of this variant in disease. Therefore, it has been classified as a Variant of Uncertain Significance.

Ambry Genetics
Classification: Uncertain significance for Inborn genetic diseases. Last evaluated: 2021-12-03. Review status: criteria provided, single submitter. Criteria: Ambry Variant Classification Scheme 2023. Collection method: clinical testing. Allele origin: germline.

NM_002470.4(MYH3):c.1077C>G (p.His359Gln)

Gene: MYH3 (myosin heavy chain 3; minus strand). Cytogenetic location: 17p13.1.
Variant type: single nucleotide variant.
Coding change: c.1077C>G on transcript NM_002470.4 (MANE Select); coding-DNA position 1077, C replaced by G.
Protein change: p.His359Gln; replaces histidine 359 with glutamine.
Molecular consequence: missense variant.
Genome position (GRCh38, 1-based): chr17:10,645,771, G>C on the plus strand (C>G on the coding strand, the complement: MYH3 is on the minus strand). VCF-style: chr17-10645771-G-C. GRCh37 (hg19) VCF-style: chr17-10549088-G-C.
Other names: short protein forms H359Q.
Identifiers: ClinVar variation 2204954 (VCV002204954.4), dbSNP rs779028641, ClinGen allele CA287789646.
Genomic context (GRCh38, chr17:10,645,771, plus strand): 5'-TGTGCCATCCGGCTCGGCCTGCTCCTCTCGCTGCTTCTGCTTGAACTTCATGTTCCCGTA[G>C]TGCATCACGGCTCCCGTCAGCTTGTAGAGCCCAGATTTCTCTTCTGGGGTGAAGCCCAGG-3'
Protein context (NP_002461.2, residues 349-369): GLYKLTGAVM[His359Gln]YGNMKFKQKQ